The following is an entry in ClinVar:

ClinVar aggregate classification (germline): Pathogenic/Likely pathogenic. Review status: criteria provided, multiple submitters, no conflicts (2 of 4 stars). 4 submissions from 4 submitters: Pathogenic (2); Likely pathogenic (1). 1 of the submissions does not count toward it. Last evaluated 2026-09-08.

Conditions:
Fabry disease. Also called: Ceramide trihexosidosis; Fabry's disease; CERAMIDE TRIHEXOSIDASE DEFICIENCY; GLA DEFICIENCY; HEREDITARY DYSTOPIC LIPIDOSIS; ALPHA-GALACTOSIDASE A DEFICIENCY. Identifiers: Orphanet 324, MedGen C0002986, MONDO:0010526, OMIM 301500, HP:0001071. Disease mechanism: Fabry disease is due to inactivating mutations in the X-linked GLA gene resulting in deficiency of the enzyme Alpha Galactosidase-A., loss of function.

Submissions (4):

Genomenon, Inc
Classification: Pathogenic for Fabry disease. Last evaluated: 2026-09-08. Review status: criteria provided, single submitter. Criteria: Genomenon Sequence Variant Interpretation Standards - Updated. Collection method: curation. Allele origin: germline. Affected: yes.
Comment: GLA p.Trp162Arg (c.484T>C) is a missense variant that changes the amino acid at codon 162 from Tryptophan to Arginine. This variant has been observed in at least one proband with clinical features consistent with Fabry disease (PMID:9116979;12778775). At least one functional study has demonstrated a substantial alteration in protein function relative to the wild-type (PMID:21598360;27657681). This variant is located in a mutational hotspot and/or important functional domain. It is absent or not present at a significant frequency in gnomAD. In silico models predict that this variant is possibly or probably damaging. In conclusion, we classify GLA p.Trp162Arg (c.484T>C) as a pathogenic variant.

Revvity Omics, Revvity
Classification: Pathogenic. Last evaluated: 2022-11-30. Review status: criteria provided, single submitter. Criteria: ACMG Guidelines, 2015. Collection method: clinical testing. Allele origin: germline.

Labcorp Genetics (formerly Invitae), Labcorp
Classification: Likely pathogenic for Fabry disease. Last evaluated: 2018-06-28. Review status: criteria provided, single submitter. Criteria: Invitae Variant Classification Sherloc (09022015). Collection method: clinical testing. Allele origin: germline.
Comment: This sequence change replaces tryptophan with arginine at codon 162 of the GLA protein (p.Trp162Arg). The tryptophan residue is highly conserved and there is a moderate physicochemical difference between tryptophan and arginine. In summary, the currently available evidence indicates that the variant is pathogenic, but additional data are needed to prove that conclusively. Therefore, this variant has been classified as Likely Pathogenic. Experimental studies have shown that this missense change results in a GLA protein with no alpha-galactosidase A enzyme activity (PMID: 21598360). This variant has been reported as hemizygous in individuals affected with Fabry disease (PMID: 15100373, 12778775, 7504405). ClinVar contains an entry for this variant (Variation ID: 10728). This variant is not present in population databases (ExAC no frequency).

OMIM
Classification: Pathogenic for FABRY DISEASE. Last evaluated: 1993-12-01. Review status: no assertion criteria provided. Collection method: literature only. Allele origin: germline. Not counted in ClinVar's aggregate classification.

Literature cited by the submitters: PubMed 9116979 (cited by Genomenon, Inc); PubMed 12778775 (cited by Genomenon, Inc and Labcorp Genetics (formerly Invitae), Labcorp); PubMed 21598360 (cited by Genomenon, Inc and Labcorp Genetics (formerly Invitae), Labcorp); PubMed 27657681 (cited by Genomenon, Inc); PubMed 15100373 (cited by Labcorp Genetics (formerly Invitae), Labcorp); PubMed 7504405 (cited by Labcorp Genetics (formerly Invitae), Labcorp and OMIM).

NM_000169.3(GLA):c.484T>C (p.Trp162Arg)

Genes: GLA (galactosidase alpha; minus strand), RPL36A-HNRNPH2 (RPL36A-HNRNPH2 readthrough; plus strand). Cytogenetic location: Xq22.1.
Variant type: single nucleotide variant.
Coding change: c.484T>C on transcript NM_000169.3 (MANE Select); coding-DNA position 484, T replaced by C.
Protein change: p.Trp162Arg; replaces tryptophan 162 with arginine.
Molecular consequence: missense variant. On other transcripts: non-coding transcript variant (3), intron variant (2).
Genome position (GRCh38, 1-based): chrX:101,401,695, A>G on the plus strand (T>C on the coding strand, the complement: GLA is on the minus strand). VCF-style: chrX-101401695-A-G. GRCh37 (hg19) VCF-style: chrX-100656683-A-G.
Other names: c.607T>C, p.Trp203Arg (NM_001406747.1, NM_001406749.1); c.484T>C, p.Trp162Arg (NM_001406748.1); c.300+6238A>G (NM_001199973.2); c.177+9873A>G (NM_001199974.2); short protein forms W162R, W203R.
Identifiers: ClinVar variation 10728 (VCV000010728.14), dbSNP rs28935196, ClinGen allele CA021748.